The following is an entry in ClinVar:

ClinVar aggregate classification (germline): Uncertain significance. Review status: criteria provided, multiple submitters, no conflicts (2 of 4 stars). 2 submissions from 2 submitters: Uncertain significance (2). Last evaluated 2024-09-04.

Conditions:
Cardiovascular phenotype. Identifiers: MedGen CN230736.

Allele frequency attached by ClinVar (database versions not stated): TOPMed 0.00003; gnomAD 0.00003.
gnomAD v4.1: 4 of 1,613,412 alleles (0.00025%); highest among the groups gnomAD compares: African/African-American, 0.0053%; no homozygotes.

Submissions (2):

Revvity Omics, Revvity
Classification: Uncertain significance. Last evaluated: 2024-09-04. Review status: criteria provided, single submitter. Criteria: ACMG Guidelines, 2015. Collection method: clinical testing. Allele origin: germline.

Ambry Genetics
Classification: Uncertain significance for Cardiovascular phenotype. Last evaluated: 2019-05-24. Review status: criteria provided, single submitter. Criteria: Ambry Variant Classification Scheme 2023. Collection method: clinical testing. Allele origin: germline.
Comment: The p.P17854T variant (also known as c.53560C>A), located in coding exon 153 of the TTN gene, results from a C to A substitution at nucleotide position 53560. The proline at codon 17854 is replaced by threonine, an amino acid with highly similar properties. This amino acid position is not well conserved in available vertebrate species, and threonine is the reference amino acid in other vertebrate species. In addition, this alteration is predicted to be tolerated by in silico analysis. Since supporting evidence is limited at this time, the clinical significance of this alteration remains unclear.

NM_001267550.2(TTN):c.80755C>A (p.Pro26919Thr)

Genes: TTN (titin; minus strand), TTN-AS1 (TTN antisense RNA 1; plus strand). Cytogenetic location: 2q31.2.
Variant type: single nucleotide variant.
Coding change: c.80755C>A on transcript NM_001267550.2 (MANE Select); coding-DNA position 80755, C replaced by A.
Protein change: p.Pro26919Thr; replaces proline 26919 with threonine.
Molecular consequence: missense variant.
Genome position (GRCh38, 1-based): chr2:178,565,377, G>T on the plus strand (C>A on the coding strand, the complement: TTN is on the minus strand). VCF-style: chr2-178565377-G-T. GRCh37 (hg19) VCF-style: chr2-179430104-G-T.
Other names: c.75832C>A, p.Pro25278Thr (NM_001256850.1); c.53560C>A, p.Pro17854Thr (NM_003319.4); c.73051C>A, p.Pro24351Thr (NM_133378.4); c.53935C>A, p.Pro17979Thr (NM_133432.3); c.54136C>A, p.Pro18046Thr (NM_133437.4); short protein forms P25278T, P26919T, P17854T, P17979T, P24351T, P18046T.
Identifiers: ClinVar variation 1747028 (VCV001747028.5), dbSNP rs879200886, ClinGen allele CA60988700.
Genomic context (GRCh38, chr2:178,565,377, plus strand): 5'-TGTGCAAAACAGTTGAGGTAGCTGTTTCTTCAACGTTTACTCTTGTTGTCTGTTTAAGAG[G>T]CTCACCATCTTTGACCCAAGAAATGTTAGGTCTTGGTCGGCCTATAACTGGAATTTCTAT-3'
Protein context (NP_001254479.2, residues 26909-26929): PNISWVKDGE[Pro26919Thr]LKQTTRVNVE